The following is an entry in ClinVar:

ClinVar aggregate classification (germline): Uncertain significance (1 of 4 stars; one submission).

Conditions:
Infantile neuroaxonal dystrophy (NBIA2A). Also called: NEURODEGENERATION WITH BRAIN IRON ACCUMULATION 2A; SEITELBERGER DISEASE; Infantile neuroaxonal dystrophy 1. Identifiers: Orphanet 35069, MedGen C0270724, MONDO:0024457, OMIM 256600.

Submission:

Labcorp Genetics (formerly Invitae), Labcorp
Classification: Uncertain significance for Infantile neuroaxonal dystrophy. Last evaluated: 2022-07-19. Review status: criteria provided, single submitter. Criteria: Invitae Variant Classification Sherloc (09022015). Collection method: clinical testing. Allele origin: germline.
Comment: This variant has not been reported in the literature in individuals affected with PLA2G6-related conditions. In summary, the available evidence is currently insufficient to determine the role of this variant in disease. Therefore, it has been classified as a Variant of Uncertain Significance. Advanced modeling of protein sequence and biophysical properties (such as structural, functional, and spatial information, amino acid conservation, physicochemical variation, residue mobility, and thermodynamic stability) performed at Invitae indicates that this missense variant is expected to disrupt PLA2G6 protein function. ClinVar contains an entry for this variant (Variation ID: 1399902). This variant is not present in population databases (gnomAD no frequency). This sequence change replaces glutamic acid, which is acidic and polar, with lysine, which is basic and polar, at codon 570 of the PLA2G6 protein (p.Glu570Lys).

NM_003560.4(PLA2G6):c.1708G>A (p.Glu570Lys)

Gene: PLA2G6 (phospholipase A2 group VI; minus strand). Cytogenetic location: 22q13.1.
Variant type: single nucleotide variant.
Coding change: c.1708G>A on transcript NM_003560.4 (MANE Select); coding-DNA position 1708, G replaced by A.
Protein change: p.Glu570Lys; replaces glutamic acid 570 with lysine.
Molecular consequence: missense variant.
Genome position (GRCh38, 1-based): chr22:38,120,793, C>T on the plus strand (G>A on the coding strand, the complement: PLA2G6 is on the minus strand). VCF-style: chr22-38120793-C-T. GRCh37 (hg19) VCF-style: chr22-38516800-C-T.
Other names: c.1546G>A, p.Glu516Lys (NM_001004426.3, NM_001199562.3, NM_001349865.2 and 1 more transcripts); c.1708G>A, p.Glu570Lys (NM_001349864.2); c.1174G>A, p.Glu392Lys (NM_001349867.2); c.1030G>A, p.Glu344Lys (NM_001349868.2); c.1012G>A, p.Glu338Lys (NM_001349869.2); short protein forms E338K, E344K, E516K, E570K, E392K.
Identifiers: ClinVar variation 1399902 (VCV001399902.6), dbSNP rs2145710936, ClinGen allele CA411527230.